The following is an entry in ClinVar:

ClinVar aggregate classification (germline): Uncertain significance. Review status: criteria provided, multiple submitters, no conflicts (2 of 4 stars). 2 submissions from 2 submitters: Uncertain significance (2). Last evaluated 2025-11-12.

Conditions:
Hereditary cancer-predisposing syndrome. Also called: Neoplastic Syndromes, Hereditary; Tumor predisposition; Hereditary neoplastic syndrome; Hereditary Cancer Syndrome. Identifiers: Orphanet 140162, MedGen C0027672, MeSH D009386, MONDO:0015356.
Cardiovascular phenotype. Identifiers: MedGen CN230736.
Neurofibromatosis, type 1 (NF1). Also called: Neurofibromatosis, type I; NEUROFIBROMATOSIS, TYPE I, SOMATIC; Peripheral type neurofibromatosis; VON RECKLINGHAUSEN DISEASE. Identifiers: Orphanet 636, MedGen C0027831, MONDO:0018975, OMIM 162200. Disease mechanism: loss of function.

Submissions (2):

Ambry Genetics
Classification: Uncertain significance for Cardiovascular phenotype; Hereditary cancer-predisposing syndrome. Last evaluated: 2025-11-12. Review status: criteria provided, single submitter. Criteria: Ambry Variant Classification Scheme 2023. Collection method: clinical testing. Allele origin: germline.
Comment: The p.I237V variant (also known as c.709A>G), located in coding exon 7 of the NF1 gene, results from an A to G substitution at nucleotide position 709. The isoleucine at codon 237 is replaced by valine, an amino acid with highly similar properties. This amino acid position is not well conserved in available vertebrate species. In addition, this alteration is predicted to be tolerated by in silico analysis. Based on the available evidence, the clinical significance of this variant remains unclear.

Labcorp Genetics (formerly Invitae), Labcorp
Classification: Uncertain significance for Neurofibromatosis, type 1. Last evaluated: 2023-12-13. Review status: criteria provided, single submitter. Criteria: Invitae Variant Classification Sherloc (09022015). Collection method: clinical testing. Allele origin: germline.
Comment: This sequence change replaces isoleucine, which is neutral and non-polar, with valine, which is neutral and non-polar, at codon 237 of the NF1 protein (p.Ile237Val). This variant is not present in population databases (gnomAD no frequency). This variant has not been reported in the literature in individuals affected with NF1-related conditions. Advanced modeling of protein sequence and biophysical properties (such as structural, functional, and spatial information, amino acid conservation, physicochemical variation, residue mobility, and thermodynamic stability) performed at Invitae indicates that this missense variant is not expected to disrupt NF1 protein function with a negative predictive value of 95%. In summary, the available evidence is currently insufficient to determine the role of this variant in disease. Therefore, it has been classified as a Variant of Uncertain Significance.

NM_001042492.3(NF1):c.709A>G (p.Ile237Val)

Gene: NF1 (neurofibromin 1; plus strand). Cytogenetic location: 17q11.2.
Variant type: single nucleotide variant.
Coding change: c.709A>G on transcript NM_001042492.3 (MANE Select); coding-DNA position 709, A replaced by G.
Protein change: p.Ile237Val; replaces isoleucine 237 with valine.
Molecular consequence: missense variant.
Genome position (GRCh38, 1-based): chr17:31,181,764, A>G. VCF-style: chr17-31181764-A-G. GRCh37 (hg19) VCF-style: chr17-29508782-A-G.
Other names: c.709A>G, p.Ile237Val (NM_000267.4, NM_001128147.3); short protein forms I237V.
Identifiers: ClinVar variation 2912606 (VCV002912606.5), dbSNP rs2143778227, ClinGen allele CA398990098.